The following is an entry in ClinVar:

ClinVar aggregate classification (germline): Benign/Likely benign. Review status: criteria provided, multiple submitters, no conflicts (2 of 4 stars). 19 submissions from 18 submitters: Benign (11); Likely benign (3). 5 of the submissions do not count toward it. Last evaluated 2026-02-04.

Conditions:
Cardiovascular phenotype. Identifiers: MedGen CN230736.
Qualitative or quantitative defects of delta-sarcoglycan. Identifiers: Orphanet 207070, MedGen C5680806, MONDO:0016144.
Dilated cardiomyopathy 1L (CMD1L). Identifiers: Orphanet 154, MedGen C1847667, MONDO:0011702, OMIM 606685.
Autosomal recessive limb-girdle muscular dystrophy type 2F (LGMDR6). Also called: MUSCULAR DYSTROPHY, LIMB-GIRDLE, AUTOSOMAL RECESSIVE 6; Muscular dystrophy limb-girdle with delta-sarcoglyan deficiency. Identifiers: Orphanet 219, MedGen C1832525, MONDO:0011028, OMIM 601287. Disease mechanism: Affects gamma-sarcoglycan and also disrupts the integrity of the entire sarcoglycan complex..

Allele frequency attached by ClinVar (database versions not stated): ESP Exome Variant Server 0.04793; 1000 Genomes Project 0.01897; 1000 Genomes Project 30x 0.02014; TOPMed 0.04092; ExAC 0.04509; gnomAD 0.04292 and 0.04192; gnomAD exomes 0.04526.
gnomAD v4.1: 85,214 of 1,568,098 alleles (5.4%); highest among the groups gnomAD compares: Non-Finnish European, 6.3%; 2,622 homozygotes.

Submissions (19):

Labcorp Genetics (formerly Invitae), Labcorp
Classification: Benign for Autosomal recessive limb-girdle muscular dystrophy type 2F. Last evaluated: 2026-02-04. Review status: criteria provided, single submitter. Criteria: Invitae Variant Classification Sherloc (09022015). Collection method: clinical testing. Allele origin: germline.

Athena Diagnostics
Classification: Benign. Last evaluated: 2025-03-25. Review status: criteria provided, single submitter. Criteria: Athena Diagnostics Criteria. Collection method: clinical testing. Allele origin: unknown.
Comment: The frequency of this variant in the general population is higher than would generally be expected for pathogenic variants in this gene.

ARUP Laboratories, Molecular Genetics and Genomics, ARUP Laboratories
Classification: Benign. Last evaluated: 2025-02-26. Review status: criteria provided, single submitter. Criteria: ARUP Molecular Germline Variant Investigation Process 2024. Collection method: clinical testing. Allele origin: germline.

Genome-Nilou Lab
Classification: Likely benign for Autosomal recessive limb-girdle muscular dystrophy type 2F. Last evaluated: 2023-02-08. Review status: criteria provided, single submitter. Criteria: ACMG Guidelines, 2015. Collection method: clinical testing. Allele origin: germline.

Genome-Nilou Lab
Classification: Likely benign for Dilated cardiomyopathy 1L. Last evaluated: 2023-02-08. Review status: criteria provided, single submitter. Criteria: ACMG Guidelines, 2015. Collection method: clinical testing. Allele origin: germline.

Mayo Clinic Laboratories, Mayo Clinic
Classification: Benign. Last evaluated: 2022-03-17. Review status: criteria provided, single submitter. Criteria: ACMG Guidelines, 2015. Collection method: clinical testing. Allele origin: germline. Observed: 173 variant alleles.
Comment: BA1

Illumina Laboratory Services, Illumina
Classification: Benign for Qualitative or quantitative defects of delta-sarcoglycan. Last evaluated: 2018-01-12. Review status: criteria provided, single submitter. Criteria: ICSL Variant Classification Criteria 13 December 2019. Collection method: clinical testing. Allele origin: germline.
Comment: This variant was observed in the ICSL laboratory as part of a predisposition screen in an ostensibly healthy population. It had not been previously curated by ICSL or reported in the Human Gene Mutation Database (HGMD: prior to June 1st, 2018), and was therefore a candidate for classification through an automated scoring system. Utilizing variant allele frequency, disease prevalence and penetrance estimates, and inheritance mode, an automated score was calculated to assess if this variant is too frequent to cause the disease. Based on the score and internal cut-off values, a variant classified as benign is not then subjected to further curation. The score for this variant resulted in a classification of benign for this disease.

GeneDx
Classification: Benign. Last evaluated: 2015-03-03. Review status: criteria provided, single submitter. Criteria: GeneDx Variant Classification Process June 2021. Collection method: clinical testing. Allele origin: germline. Affected: yes.
Comment: This variant is associated with the following publications: (PMID: 10974018, 26968544, 28401079)

Biesecker Lab/Clinical Genomics Section, National Institutes of Health
Classification: Benign. Last evaluated: 2013-06-24. Review status: criteria provided, single submitter. Criteria: Ng et al. (Circ Cardiovasc Genet. 2013). Collection method: research. Allele origin: unknown. Observed: 51 variant alleles. Study: ClinSeq.
Comment: The study set was not selected for affection status in relation to any cancer. Pathogenicity categories were based on literature curation. See Pubmed ID:23861362 for details.

Medical sequencing

Ambry Genetics
Classification: Benign for Cardiovascular phenotype. Last evaluated: 2012-09-19. Review status: criteria provided, single submitter. Criteria: Ambry Autosomal Dominant and X-Linked criteria (10/2015). Collection method: clinical testing. Allele origin: germline. Observed: 1 variant allele.

Eurofins Ntd Llc (ga)
Classification: Benign. Last evaluated: 2012-07-12. Review status: criteria provided, single submitter. Criteria: EGL Classification Definitions 2015. Collection method: clinical testing. Allele origin: germline. Observed: 8 variant alleles, 8 heterozygotes.

Laboratory for Molecular Medicine, Mass General Brigham Personalized Medicine
Classification: Benign. Last evaluated: 2009-01-20. Review status: criteria provided, single submitter. Criteria: LMM Criteria. Collection method: clinical testing. Allele origin: germline. Observed: 262 variant alleles.

Breakthrough Genomics
Classification: Likely benign. Review status: criteria provided, single submitter. Criteria: ACMG Guidelines, 2015. Collection method: not provided. Allele origin: germline. Inheritance: Autosomal recessive inheritance. Affected: yes.

PreventionGenetics, part of Exact Sciences
Classification: Benign. Review status: criteria provided, single submitter. Criteria: ACMG Guidelines, 2015. Collection method: clinical testing. Allele origin: germline.

Clinical Genetics, Academic Medical Center
Classification: Benign. Review status: no assertion criteria provided. Collection method: clinical testing. Allele origin: germline. Affected: yes. Study: VKGL Data-share Consensus. Not counted in ClinVar's aggregate classification.

Genetic Services Laboratory, University of Chicago
Classification: Likely benign for AllHighlyPenetrant. Review status: no assertion criteria provided. Collection method: clinical testing. Allele origin: germline. Inheritance: Autosomal recessive inheritance. Not counted in ClinVar's aggregate classification.
Comment: Likely benign based on allele frequency in 1000 Genomes Project or ESP global frequency and its presence in a patient with a rare or unrelated disease phenotype. NOT Sanger confirmed.

Genome Diagnostics Laboratory, University Medical Center Utrecht
Classification: Benign. Review status: no assertion criteria provided. Collection method: clinical testing. Allele origin: germline. Affected: yes. Study: VKGL Data-share Consensus. Not counted in ClinVar's aggregate classification.

Joint Genome Diagnostic Labs from Nijmegen and Maastricht, Radboudumc and MUMC+
Classification: Likely benign. Review status: no assertion criteria provided. Collection method: clinical testing. Allele origin: germline. Affected: yes. Study: VKGL Data-share Consensus. Not counted in ClinVar's aggregate classification.

Laboratory of Diagnostic Genome Analysis, Leiden University Medical Center (LUMC)
Classification: Benign. Review status: no assertion criteria provided. Collection method: clinical testing. Allele origin: germline. Affected: yes. Study: VKGL Data-share Consensus. Not counted in ClinVar's aggregate classification.

Literature cited by the submitters: PubMed 28401079 (cited by Athena Diagnostics); PubMed 26968544 (cited by Athena Diagnostics); PubMed 10974018 (cited by Athena Diagnostics); PubMed 12794684 (cited by Athena Diagnostics).

NM_000337.6(SGCD):c.290G>A (p.Arg97Gln)

Gene: SGCD (sarcoglycan delta; plus strand). Cytogenetic location: 5q33.3.
Variant type: single nucleotide variant.
Coding change: c.290G>A on transcript NM_000337.6 (MANE Select); coding-DNA position 290, G replaced by A.
Protein change: p.Arg97Gln; replaces arginine 97 with glutamine.
Molecular consequence: missense variant.
Genome position (GRCh38, 1-based): chr5:156,508,698, G>A. VCF-style: chr5-156508698-G-A. GRCh37 (hg19) VCF-style: chr5-155935708-G-A.
Other names: c.287G>A, p.Arg96Gln (NM_001128209.2); c.290G>A, p.Arg97Gln (NM_172244.3); short protein forms R97Q, R96Q.
Identifiers: ClinVar variation 48117 (VCV000048117.48), dbSNP rs45559835, ClinGen allele CA142625.